The following is an entry in ClinVar:

ClinVar aggregate classification (germline): Uncertain significance. Review status: criteria provided, multiple submitters, no conflicts (2 of 4 stars). 3 submissions from 3 submitters: Uncertain significance (3). Last evaluated 2021-11-02.

Conditions:
Inborn genetic diseases. Identifiers: MedGen C0950123, MeSH D030342.

Allele frequency attached by ClinVar (database versions not stated): 1000 Genomes Project 30x 0.00016; 1000 Genomes Project 0.00020.
gnomAD v4.1: 12 of 1,614,234 alleles (0.00074%); highest among the groups gnomAD compares: Admixed American, 0.017%; no homozygotes.

Submissions (3):

Labcorp Genetics (formerly Invitae), Labcorp
Classification: Uncertain significance. Last evaluated: 2021-11-02. Review status: criteria provided, single submitter. Criteria: Invitae Variant Classification Sherloc (09022015). Collection method: clinical testing. Allele origin: germline.
Comment: This sequence change replaces phenylalanine, which is neutral and non-polar, with leucine, which is neutral and non-polar, at codon 1092 of the WDR62 protein (p.Phe1092Leu). This variant is present in population databases (rs551013571, gnomAD 0.003%). This variant has not been reported in the literature in individuals affected with WDR62-related conditions. Algorithms developed to predict the effect of missense changes on protein structure and function output the following: SIFT: "Deleterious"; PolyPhen-2: "Benign"; Align-GVGD: "Class C0". The leucine amino acid residue is found in multiple mammalian species, which suggests that this missense change does not adversely affect protein function. In summary, the available evidence is currently insufficient to determine the role of this variant in disease. Therefore, it has been classified as a Variant of Uncertain Significance.

Ambry Genetics
Classification: Uncertain significance for Inborn genetic diseases. Last evaluated: 2021-09-01. Review status: criteria provided, single submitter. Criteria: Ambry Variant Classification Scheme 2023. Collection method: clinical testing. Allele origin: germline.

GeneDx
Classification: Uncertain significance. Last evaluated: 2021-06-09. Review status: criteria provided, single submitter. Criteria: GeneDx Variant Classification Process June 2021. Collection method: clinical testing. Allele origin: germline. Affected: yes.
Comment: Not observed at significant frequency in large population cohorts (Lek et al., 2016); In silico analysis supports that this missense variant does not alter protein structure/function; This variant is associated with the following publications: (PMID: 27535533)

NM_001083961.2(WDR62):c.3276C>G (p.Phe1092Leu)

Gene: WDR62 (WD repeat domain 62; plus strand). Cytogenetic location: 19q13.12.
Variant type: single nucleotide variant.
Coding change: c.3276C>G on transcript NM_001083961.2 (MANE Select); coding-DNA position 3276, C replaced by G.
Protein change: p.Phe1092Leu; replaces phenylalanine 1092 with leucine.
Molecular consequence: missense variant.
Genome position (GRCh38, 1-based): chr19:36,102,792, C>G. VCF-style: chr19-36102792-C-G. GRCh37 (hg19) VCF-style: chr19-36593694-C-G.
Other names: c.3261C>G, p.Phe1087Leu (NM_173636.5); short protein forms F1087L, F1092L.
Identifiers: ClinVar variation 1327895 (VCV001327895.5), dbSNP rs551013571, ClinGen allele CA9396234.